The following is an entry in ClinVar:

ClinVar aggregate classification (germline): Uncertain significance. Review status: criteria provided, multiple submitters, no conflicts (2 of 4 stars). 4 submissions from 4 submitters: Uncertain significance (4). Last evaluated 2026-08-01.

Conditions:
Inborn genetic diseases. Identifiers: MedGen C0950123, MeSH D030342.

Allele frequency attached by ClinVar (database versions not stated): gnomAD exomes 0.00002; TOPMed 0.00003; ExAC 0.00004; gnomAD 0.00004.
gnomAD v4.1: 41 of 1,613,634 alleles (0.0025%); highest among the groups gnomAD compares: Admixed American, 0.005%; no homozygotes.

Submissions (4):

CeGaT Center for Human Genetics Tuebingen
Classification: Uncertain significance. Last evaluated: 2026-08-01. Review status: criteria provided, single submitter. Criteria: CeGaT Center For Human Genetics Tuebingen Variant Classification Criteria Version 2. Collection method: clinical testing. Allele origin: germline. Affected: yes. Observed: 2 variant alleles.
Comment: USH2A: PM2, BP4

Ambry Genetics
Classification: Uncertain significance for Inborn genetic diseases. Last evaluated: 2025-09-09. Review status: criteria provided, single submitter. Criteria: Ambry Variant Classification Scheme 2023. Collection method: clinical testing. Allele origin: germline.

GeneDx
Classification: Uncertain significance. Last evaluated: 2024-02-26. Review status: criteria provided, single submitter. Criteria: GeneDx Variant Classification Process June 2021. Collection method: clinical testing. Allele origin: germline. Affected: yes.
Comment: In silico analysis supports that this missense variant does not alter protein structure/function; Has not been previously published as pathogenic or benign to our knowledge

Labcorp Genetics (formerly Invitae), Labcorp
Classification: Uncertain significance. Last evaluated: 2022-07-12. Review status: criteria provided, single submitter. Criteria: Invitae Variant Classification Sherloc (09022015). Collection method: clinical testing. Allele origin: germline.
Comment: This sequence change replaces glycine, which is neutral and non-polar, with arginine, which is basic and polar, at codon 4969 of the USH2A protein (p.Gly4969Arg). The frequency data for this variant in the population databases is considered unreliable, as metrics indicate poor data quality at this position in the gnomAD database. This variant has not been reported in the literature in individuals affected with USH2A-related conditions. Algorithms developed to predict the effect of missense changes on protein structure and function output the following: SIFT: "Deleterious"; PolyPhen-2: "Benign"; Align-GVGD: "Class C0". The arginine amino acid residue is found in multiple mammalian species, which suggests that this missense change does not adversely affect protein function. Algorithms developed to predict the effect of sequence changes on RNA splicing suggest that this variant may create or strengthen a splice site. In summary, the available evidence is currently insufficient to determine the role of this variant in disease. Therefore, it has been classified as a Variant of Uncertain Significance.

NM_206933.4(USH2A):c.14905G>A (p.Gly4969Arg)

Gene: USH2A (usherin; minus strand). Cytogenetic location: 1q41.
Variant type: single nucleotide variant.
Coding change: c.14905G>A on transcript NM_206933.4 (MANE Select); coding-DNA position 14905, G replaced by A.
Protein change: p.Gly4969Arg; replaces glycine 4969 with arginine.
Molecular consequence: missense variant.
Genome position (GRCh38, 1-based): chr1:215,640,621, C>T on the plus strand (G>A on the coding strand, the complement: USH2A is on the minus strand). VCF-style: chr1-215640621-C-T. GRCh37 (hg19) VCF-style: chr1-215813963-C-T.
Other names: c.14905G>A (NM_206933.2); short protein forms G4969R.
Identifiers: ClinVar variation 2203599 (VCV002203599.21), dbSNP rs753226272, ClinGen allele CA1392893.